The following is an entry in ClinVar:

NM_021098.3(CACNA1H):c.1096T>C (p.Tyr366His)

Gene: CACNA1H (calcium voltage-gated channel subunit alpha1 H; plus strand). Cytogenetic location: 16p13.3.
Variant type: single nucleotide variant.
Coding change: c.1096T>C on transcript NM_021098.3 (MANE Select); coding-DNA position 1096, T replaced by C.
Protein change: p.Tyr366His; replaces tyrosine 366 with histidine.
Molecular consequence: missense variant.
Genome position (GRCh38, 1-based): chr16:1,200,548, T>C. VCF-style: chr16-1200548-T-C. GRCh37 (hg19) VCF-style: chr16-1250548-T-C.
Other names: c.1096T>C, p.Tyr366His (NM_001005407.2); short protein forms Y366H.
Identifiers: ClinVar variation 3355924 (VCV003355924.2).
Genomic context (GRCh38, chr16:1,200,548, plus strand): 5'-GTGTGCCGCTCGGGTGACTCCAACCCCCACAACGGTGCCATCAACTTCGACAACATCGGC[T>C]ACGCCTGGATTGCCATCTTCCAGGTGGGCGGCAAGATGGTGGGACGGGGACCCTGGGGCA-3'
Protein context (NP_066921.2, residues 356-376): NGAINFDNIG[Tyr366His]AWIAIFQVIT

ClinVar aggregate classification (germline): Uncertain significance. Review status: criteria provided, single submitter (1 of 4 stars). 2 submissions from 2 submitters: Uncertain significance (1). 1 of the submissions does not count toward it. Last evaluated 2025-09-03.

Conditions:
CACNA1H-related disorder.

gnomAD v4.1: 27 of 1,612,050 alleles (0.0017%); highest among the groups gnomAD compares: Non-Finnish European, 0.0023%; no homozygotes.

Submissions (2):

Women's Health and Genetics/Laboratory Corporation of America, LabCorp
Classification: Uncertain significance. Last evaluated: 2025-09-03. Review status: criteria provided, single submitter. Criteria: LabCorp Variant Classification Summary - May 2015. Collection method: clinical testing. Allele origin: germline.
Comment: Variant summary: CACNA1H c.1096T>C (p.Tyr366His) results in a conservative amino acid change in the encoded protein sequence. Algorithms developed to predict the effect of missense changes on protein structure and function are either unavailable or do not agree on the potential impact of this missense change. The variant allele was found at a frequency of 1.2e-05 in 245766 control chromosomes. The available data on variant occurrences in the general population are insufficient to allow any conclusion about variant significance. To our knowledge, no occurrence of c.1096T>C in individuals affected with CACNA1H-related conditions and no experimental evidence demonstrating its impact on protein function have been reported. ClinVar contains an entry for this variant (Variation ID: 3355924). Based on the evidence outlined above, the variant was classified as uncertain significance.

PreventionGenetics, part of Exact Sciences
Classification: Uncertain significance for CACNA1H-related condition. Last evaluated: 2024-07-04. Review status: no assertion criteria provided. Collection method: clinical testing. Allele origin: germline. Not counted in ClinVar's aggregate classification.
Comment: The CACNA1H c.1096T>C variant is predicted to result in the amino acid substitution p.Tyr366His. To our knowledge, this variant has not been reported in the literature. This variant is reported in 0.0027% of alleles in individuals of European (non-Finnish) descent in gnomAD. At this time, the clinical significance of this variant is uncertain due to the absence of conclusive functional and genetic evidence.